The following is an entry in ClinVar:

NM_022064.5(RNF123):c.3696G>A (p.Ala1232=)

Genes: GMPPB (GDP-mannose pyrophosphorylase B; minus strand), RNF123 (ring finger protein 123; plus strand). Cytogenetic location: 3p21.31.
Variant type: single nucleotide variant.
Coding change: c.3696G>A on transcript NM_022064.5 (MANE Select); coding-DNA position 3696, G replaced by A.
Protein change: p.Ala1232=; no amino-acid change (alanine 1232 retained).
Molecular consequence: synonymous variant. On other transcripts: 3 prime UTR variant (1), non-coding transcript variant (1).
Genome position (GRCh38, 1-based): chr3:49,720,852, G>A. VCF-style: chr3-49720852-G-A. GRCh37 (hg19) VCF-style: chr3-49758285-G-A.
Other names: c.*900C>T (NM_021971.4).
Identifiers: ClinVar variation 5040845 (VCV005040845.1).

ClinVar aggregate classification (germline): Likely benign (1 of 4 stars; one submission).

gnomAD v4.1: 8 of 1,614,166 alleles (0.0005%); highest among the groups gnomAD compares: East Asian, 0.0022%; no homozygotes.

Submission:

CeGaT Center for Human Genetics Tuebingen
Classification: Likely benign. Last evaluated: 2026-09-01. Review status: criteria provided, single submitter. Criteria: CeGaT Center For Human Genetics Tuebingen Variant Classification Criteria Version 2. Collection method: clinical testing. Allele origin: germline. Affected: yes. Observed: 1 variant allele.
Comment: RNF123: BP4, BP7